The following is an entry in ClinVar:

ClinVar aggregate classification (germline): Uncertain significance. Review status: criteria provided, multiple submitters, no conflicts (2 of 4 stars). 2 submissions from 2 submitters: Uncertain significance (2). Last evaluated 2025-10-27.

Conditions:
Autosomal recessive inherited pseudoxanthoma elasticum (PXE). Identifiers: Orphanet 758, MedGen CN032334, MONDO:0009925, OMIM 264800.

Allele frequency attached by ClinVar (database versions not stated): ExAC 0.00002.
gnomAD v4.1: 11 of 1,613,868 alleles (0.00068%); highest among the groups gnomAD compares: South Asian, 0.0033%; no homozygotes.

Submissions (2):

Labcorp Genetics (formerly Invitae), Labcorp
Classification: Uncertain significance. Last evaluated: 2025-10-27. Review status: criteria provided, single submitter. Criteria: Invitae Variant Classification Sherloc (09022015). Collection method: clinical testing. Allele origin: germline.
Comment: This sequence change replaces arginine, which is basic and polar, with tryptophan, which is neutral and slightly polar, at codon 526 of the ABCC6 protein (p.Arg526Trp). This variant is present in population databases (rs773079563, gnomAD 0.01%). This variant has not been reported in the literature in individuals affected with ABCC6-related conditions. ClinVar contains an entry for this variant (Variation ID: 1805188). Invitae Evidence Modeling of protein sequence and biophysical properties (such as structural, functional, and spatial information, amino acid conservation, physicochemical variation, residue mobility, and thermodynamic stability) has been performed for this missense variant. However, the output from this modeling did not meet the statistical confidence thresholds required to predict the impact of this variant on ABCC6 protein function. In summary, the available evidence is currently insufficient to determine the role of this variant in disease. Therefore, it has been classified as a Variant of Uncertain Significance.

Victorian Clinical Genetics Services, Murdoch Childrens Research Institute
Classification: Uncertain significance for Autosomal recessive inherited pseudoxanthoma elasticum. Last evaluated: 2022-06-24. Review status: criteria provided, single submitter. Criteria: ACMG Guidelines, 2015. Collection method: clinical testing. Allele origin: germline. Inheritance: Autosomal recessive inheritance. Affected: yes.
Comment: Based on the classification scheme VCGS_Germline_v1.3.4, this variant is classified as VUS-3B. Following criteria are met: 0102 - Loss of function is a known mechanism of disease in this gene and is associated with generalized infantile arterial calcification 2 (MIM#614473), pseudoxanthoma elasticum (MIM#264800) and forme fruste pseudoxanthoma elasticum (MIM#177850). (I) 0106 - This gene is associated with autosomal recessive disease. OIder publications suggest dominant disease (OMIM). (I) 0115 - Variants in this gene are known to have variable expressivity. Intrafamilial variability with age-dependent severity has been well reported (PMID: 28102862). (I) 0200 - Variant is predicted to result in a missense amino acid change from arginine to tryptophan. (I) 0251 - This variant is heterozygous. (I) 0304 - Variant is present in gnomAD (v2) <0.01 for a recessive condition (4 heterozygotes, 0 homozygotes). (SP) 0309 - An alternative amino acid change at the same position has been observed in gnomAD (v3) (4 heterozygotes, 0 homozygotes). (I) 0502 - Missense variant with conflicting in silico predictions and uninformative conservation. (I) 0600 - Variant is located in the annotated ABC transmembrane type-1 1 domain (UniProt, DECIPHER). (I) 0710 - Another missense variant comparable to the one identified in this case has inconclusive previous evidence for pathogenicity. p.(Arg526Gln) is reported as a VUS in ClinVar. (I) 0807 - This variant has no previous evidence of pathogenicity. (I) 0905 - No published segregation evidence has been identified for this variant. (I) 1007 - No published functional evidence has been identified for this variant. (I) 1102 - Strong phenotype match for this individual. (SP) 1201 - Heterozygous variant detected in trans with a second pathogenic heterozygous variant (NM_001171.5(ABCC6):c.3421C>T; p.(Arg1141*)) in a recessive disease. (I) Legend: (SP) - Supporting pathogenic, (I) - Information, (SB) - Supporting benign

Literature cited by the submitters: PubMed 28102862 (cited by Victorian Clinical Genetics Services, Murdoch Childrens Research Institute).

NM_001171.6(ABCC6):c.1576C>T (p.Arg526Trp)

Gene: ABCC6 (ATP binding cassette subfamily C member 6; minus strand). Cytogenetic location: 16p13.11.
Variant type: single nucleotide variant.
Coding change: c.1576C>T on transcript NM_001171.6 (MANE Select); coding-DNA position 1576, C replaced by T.
Protein change: p.Arg526Trp; replaces arginine 526 with tryptophan.
Molecular consequence: missense variant. On other transcripts: non-coding transcript variant (1).
Genome position (GRCh38, 1-based): chr16:16,190,223, G>A on the plus strand (C>T on the coding strand, the complement: ABCC6 is on the minus strand). VCF-style: chr16-16190223-G-A. GRCh37 (hg19) VCF-style: chr16-16284080-G-A.
Other names: c.1234C>T, p.Arg412Trp (NM_001351800.1); short protein forms R412W, R526W.
Identifiers: ClinVar variation 1805188 (VCV001805188.4), dbSNP rs773079563, ClinGen allele CA7926266.